The following is an entry in ClinVar:

ClinVar aggregate classification (germline): Likely benign (0 of 4 stars; one submission).

Conditions:
ARHGEF28-related disorder. Also called: ARHGEF28-related condition.

Submission:

PreventionGenetics, part of Exact Sciences
Classification: Likely benign for ARHGEF28-related condition. Last evaluated: 2023-10-10. Review status: no assertion criteria provided. Collection method: clinical testing. Allele origin: germline.
Comment: This variant is classified as likely benign based on ACMG/AMP sequence variant interpretation guidelines (Richards et al. 2015 PMID: 25741868, with internal and published modifications).

NM_001177693.2(ARHGEF28):c.3573T>C (p.Pro1191=)

Gene: ARHGEF28 (Rho guanine nucleotide exchange factor 28; plus strand). Cytogenetic location: 5q13.2.
Variant type: single nucleotide variant.
Coding change: c.3573T>C on transcript NM_001177693.2 (MANE Select); coding-DNA position 3573, T replaced by C.
Protein change: p.Pro1191=; no amino-acid change (proline 1191 retained).
Molecular consequence: synonymous variant.
Genome position (GRCh38, 1-based): chr5:73,893,203, T>C. VCF-style: chr5-73893203-T-C. GRCh37 (hg19) VCF-style: chr5-73189028-T-C.
Other names: c.3573T>C, p.Pro1191= (NM_001080479.3, NM_001388078.1); c.2634T>C, p.Pro878= (NM_001244364.2); c.3279T>C, p.Pro1093= (NM_001388076.1).
Identifiers: ClinVar variation 3349768 (VCV003349768.1).